The following is an entry in ClinVar:

ClinVar aggregate classification (germline): Benign/Likely benign. Review status: criteria provided, multiple submitters, no conflicts (2 of 4 stars). 5 submissions from 5 submitters: Benign (4); Likely benign (1). Last evaluated 2026-01-21.

Conditions:
X-linked lymphoproliferative disease due to XIAP deficiency. Also called: XIAP DEFICIENCY; XIAP-Related Lymphoproliferative Disease, X-Linked. Identifiers: Orphanet 2442, Orphanet 538934, MedGen C1845076, MONDO:0010385, OMIM 300635.

Allele frequency attached by ClinVar (database versions not stated): TOPMed 0.00026; ESP Exome Variant Server 0.00028; gnomAD exomes 0.00028 and 0.00067; gnomAD 0.00034 and 0.00036; ExAC 0.00077; 1000 Genomes Project 0.00079; 1000 Genomes Project 30x 0.00083.
gnomAD v4.1: 365 of 1,210,018 alleles (0.03%); highest among the groups gnomAD compares: East Asian, 0.15%; no homozygotes.

Submissions (5):

Labcorp Genetics (formerly Invitae), Labcorp
Classification: Benign for X-linked lymphoproliferative disease due to XIAP deficiency. Last evaluated: 2026-01-21. Review status: criteria provided, single submitter. Criteria: Invitae Variant Classification Sherloc (09022015). Collection method: clinical testing. Allele origin: germline.

Mayo Clinic Laboratories, Mayo Clinic
Classification: Benign. Last evaluated: 2025-07-15. Review status: criteria provided, single submitter. Criteria: ACMG Guidelines, 2015. Collection method: clinical testing. Allele origin: germline. Observed: 2 variant alleles.
Comment: BS1, BS2, BP4, BP7

Blueprint Genetics
Classification: Likely benign. Last evaluated: 2024-10-15. Review status: criteria provided, single submitter. Criteria: ACMG Guidelines, 2015. Collection method: clinical testing. Allele origin: germline.

Illumina Laboratory Services, Illumina
Classification: Benign for X-linked lymphoproliferative disease due to XIAP deficiency. Last evaluated: 2018-01-12. Review status: criteria provided, single submitter. Criteria: ICSL Variant Classification Criteria 13 December 2019. Collection method: clinical testing. Allele origin: germline.
Comment: This variant was observed in the ICSL laboratory as part of a predisposition screen in an ostensibly healthy population. It had not been previously curated by ICSL or reported in the Human Gene Mutation Database (HGMD: prior to June 1st, 2018), and was therefore a candidate for classification through an automated scoring system. Utilizing variant allele frequency, disease prevalence and penetrance estimates, and inheritance mode, an automated score was calculated to assess if this variant is too frequent to cause the disease. Based on the score and internal cut-off values, a variant classified as benign is not then subjected to further curation. The score for this variant resulted in a classification of benign for this disease.

Breakthrough Genomics
Classification: Benign. Review status: criteria provided, single submitter. Criteria: ACMG Guidelines, 2015. Collection method: not provided. Allele origin: germline. Inheritance: X-linked inheritance. Affected: yes.

NM_001167.4(XIAP):c.309G>A (p.Thr103=)

Gene: XIAP (X-linked inhibitor of apoptosis; plus strand). Cytogenetic location: Xq25.
Variant type: single nucleotide variant.
Coding change: c.309G>A on transcript NM_001167.4 (MANE Select); coding-DNA position 309, G replaced by A.
Protein change: p.Thr103=; no amino-acid change (threonine 103 retained).
Molecular consequence: synonymous variant.
Genome position (GRCh38, 1-based): chrX:123,885,971, G>A. VCF-style: chrX-123885971-G-A. GRCh37 (hg19) VCF-style: chrX-123019821-G-A.
Other names: p.Thr103=; c.309G>A, p.Thr103= (NM_001204401.2, NM_001378590.1, NM_001378591.1 and 1 more transcripts).
Identifiers: ClinVar variation 367792 (VCV000367792.18), dbSNP rs140230812, ClinGen allele CA10508013.